The following is an entry in ClinVar:

ClinVar aggregate classification (germline): Uncertain significance. Review status: reviewed by expert panel (3 of 4 stars). 2 submissions from 2 submitters: Uncertain significance (1). 1 of the submissions does not count toward it. Last evaluated 2026-08-20.

Conditions:
Retinitis pigmentosa 20 (RP20). Identifiers: Orphanet 791, MedGen C3151086, MONDO:0013425, OMIM 613794.
Leber congenital amaurosis 2 (LCA2). Also called: Autosomal Recessive RPE65-Related Retinal Degeneration; AMAUROSIS CONGENITA OF LEBER II. Identifiers: Orphanet 65, MedGen C1859844, MONDO:0008765, OMIM 204100. Disease mechanism: loss of function.
RPE65-related recessive retinopathy. Also called: Recessive RPE65 retinopathy. Identifiers: MedGen CN305526, MONDO:0100368.

Allele frequency attached by ClinVar (database versions not stated): ExAC 0.00002; TOPMed below 0.00001; gnomAD exomes 0.00002.
gnomAD v4.1: 5 of 1,614,086 alleles (0.00031%); highest among the groups gnomAD compares: East Asian, 0.011%; no homozygotes.

Submissions (2):

ClinGen Leber Congenital Amaurosis/early Onset Retinal Dystrophy Variant Curation Expert Panel, ClinGen
Classification: Uncertain significance for RPE65-related recessive retinopathy. Last evaluated: 2026-08-20. Review status: reviewed by expert panel. Criteria: ClinGen LCAeoRD ACMG Specifications RPE65 V1.0.0. Collection method: curation. Allele origin: germline. Inheritance: Autosomal recessive inheritance.
Comment: NM_000329.3(RPE65):c.353+7G>A is a non-coding variant in intron 4 near the junction with exon 4. This variant is present in gnomAD v.4.1.1 at a GrpMax allele frequency of 0.000043, with 5 / 44878 alleles in the East Asian population, which is lower than the ClinGen LCA / eoRD VCEP PM2_Supporting threshold of <0.0002 (PM2_Supporting). The splicing impact predictor SpliceAI gives a score of 0.14 for acceptor gain, which is below the ClinGen LCA / eoRD VCEP recommended PP3 threshold of ≥0.2 and higher than the BP4 threshold of <0.1 and does not strongly predict an impact on splicing, so neither in silico predictor code is met. In summary, this variant meets the criteria to be classified as a variant of uncertain significance for RPE65-related recessive retinopathy based on the ACMG/AMP criteria applied, as specified by the ClinGen LCA / eoRD VCEP: PM2_Supporting. (LCA/eoRD VCEP specifications version 1.0.0).

Labcorp Genetics (formerly Invitae), Labcorp
Classification: Likely benign for Leber congenital amaurosis 2; Retinitis pigmentosa 20. Last evaluated: 2025-01-14. Review status: criteria provided, single submitter. Criteria: Invitae Variant Classification Sherloc (09022015). Collection method: clinical testing. Allele origin: germline. Not counted in ClinVar's aggregate classification.

NM_000329.3(RPE65):c.353+7G>A

Gene: RPE65 (retinoid isomerohydrolase RPE65; minus strand). Cytogenetic location: 1p31.3.
Variant type: single nucleotide variant.
Coding change: c.353+7G>A on transcript NM_000329.3 (MANE Select); 7 bases into the intron after coding-DNA position 353, G replaced by A.
Molecular consequence: intron variant.
Genome position (GRCh38, 1-based): chr1:68,444,769, C>T on the plus strand (G>A on the coding strand, the complement: RPE65 is on the minus strand). VCF-style: chr1-68444769-C-T. GRCh37 (hg19) VCF-style: chr1-68910452-C-T.
Identifiers: ClinVar variation 1117757 (VCV001117757.10), dbSNP rs773557127, ClinGen allele CA902539.